The following is an entry in ClinVar:

ClinVar aggregate classification (germline): Uncertain significance. Review status: criteria provided, multiple submitters, no conflicts (2 of 4 stars). 3 submissions from 3 submitters: Uncertain significance (3). Last evaluated 2025-12-09.

Conditions:
Hyperlipidemia due to hepatic triglyceride lipase deficiency. Also called: LIPC DEFICIENCY. Identifiers: Orphanet 140905, MedGen C3151466, MONDO:0013533, OMIM 614025.
Type 2 diabetes mellitus. Also called: Type II diabetes mellitus. Identifiers: MedGen C0011860, MeSH D003924, MONDO:0005148, OMIM 125853, HP:0005978.

Allele frequency attached by ClinVar (database versions not stated): gnomAD 0.00023; TOPMed 0.00029; ExAC 0.00030; gnomAD exomes 0.00031 and 0.00042; ESP Exome Variant Server 0.00032.

Submissions (3):

Labcorp Genetics (formerly Invitae), Labcorp
Classification: Uncertain significance. Last evaluated: 2025-12-09. Review status: criteria provided, single submitter. Criteria: Invitae Variant Classification Sherloc (09022015). Collection method: clinical testing. Allele origin: germline.
Comment: This sequence change creates a premature translational stop signal (p.Gly247Alafs*12) in the LIPC gene. It is expected to result in an absent or disrupted protein product. However, the current clinical and genetic evidence is not sufficient to establish whether loss-of-function variants in LIPC cause disease. This variant is present in population databases (rs749932377, gnomAD 0.05%), and has an allele count higher than expected for a pathogenic variant. This premature translational stop signal has been observed in individual(s) with dyslipidemia, hyperlipidemia, and/or reduced HDL cholesterol levels (PMID: 28951076, 33339817, 34662886, 36325899). ClinVar contains an entry for this variant (Variation ID: 631739). Algorithms developed to predict the effect of sequence changes on RNA splicing suggest that this variant may disrupt the consensus splice site. In summary, the available evidence is currently insufficient to determine the role of this variant in disease. Therefore, it has been classified as a Variant of Uncertain Significance.

Department of Pathology and Laboratory Medicine, Sinai Health System
Classification: Uncertain significance for Type 2 diabetes mellitus; Hyperlipidemia due to hepatic triglyceride lipase deficiency. Last evaluated: 2022-05-18. Review status: criteria provided, single submitter. Criteria: ACMG Guidelines, 2015. Collection method: research. Allele origin: germline.

New York Genome Center
Classification: Uncertain significance for Hyperlipidemia due to hepatic triglyceride lipase deficiency. Last evaluated: 2021-05-07. Review status: criteria provided, single submitter. Criteria: NYGC Assertion Criteria 2020. Collection method: clinical testing. Allele origin: germline. Observed: 1 heterozygote.

Literature cited by the submitters: PubMed 28951076 (cited by Labcorp Genetics (formerly Invitae), Labcorp); PubMed 33339817 (cited by Labcorp Genetics (formerly Invitae), Labcorp); PubMed 34662886 (cited by Labcorp Genetics (formerly Invitae), Labcorp); PubMed 36325899 (cited by Labcorp Genetics (formerly Invitae), Labcorp).

NM_000236.3(LIPC):c.738_739dup (p.Gly247fs)

Gene: LIPC (lipase C, hepatic type; plus strand). Cytogenetic location: 15q21.3.
Variant type: Duplication.
Coding change: c.738_739dup on transcript NM_000236.3 (MANE Select); coding-DNA positions 738 to 739, 2 bases duplicated (CG; older notation c.738_739dupCG).
Protein change: p.Gly247fs; shifts the reading frame from glycine 247.
Molecular consequence: frameshift variant.
Genome position (GRCh38, 1-based): chr15:58,545,905-58,545,906, CG duplicated. VCF-style (leftmost placement, unchanged base first): chr15-58545904-A-ACG. GRCh37 (hg19) VCF-style: chr15-58838103-A-ACG.
Other names: short protein forms G247fs.
Identifiers: ClinVar variation 631739 (VCV000631739.13), dbSNP rs749932377, ClinGen allele CA7584970.